The following is an entry in ClinVar:

NM_024598.4(USB1):c.201C>T (p.His67=)

Gene: USB1 (U6 snRNA biogenesis phosphodiesterase 1; plus strand). Cytogenetic location: 16q21.
Variant type: single nucleotide variant.
Coding change: c.201C>T on transcript NM_024598.4 (MANE Select); coding-DNA position 201, C replaced by T.
Protein change: p.His67=; no amino-acid change (histidine 67 retained).
Molecular consequence: synonymous variant.
Genome position (GRCh38, 1-based): chr16:58,002,581, C>T. VCF-style: chr16-58002581-C-T. GRCh37 (hg19) VCF-style: chr16-58036485-C-T.
Other names: c.201C>T, p.His67= (NM_001195302.2, NM_001204911.2, NM_001330569.2); c.48C>T, p.His16= (NM_001330568.2).
Identifiers: ClinVar variation 2153849 (VCV002153849.9), dbSNP rs548754947, ClinGen allele CA8084827.

ClinVar aggregate classification (germline): Likely benign. Review status: criteria provided, multiple submitters, no conflicts (2 of 4 stars). 3 submissions from 3 submitters: Likely benign (3). Last evaluated 2026-01-01.

Conditions:
Inborn genetic diseases. Identifiers: MedGen C0950123, MeSH D030342.

Allele frequency attached by ClinVar (database versions not stated): ExAC 0.00001; gnomAD 0.00001; gnomAD exomes 0.00001; 1000 Genomes Project 30x 0.00016; 1000 Genomes Project 0.00020.
gnomAD v4.1: 10 of 1,614,044 alleles (0.00062%); highest among the groups gnomAD compares: South Asian, 0.0077%; no homozygotes.

Submissions (3):

CeGaT Center for Human Genetics Tuebingen
Classification: Likely benign. Last evaluated: 2026-01-01. Review status: criteria provided, single submitter. Criteria: CeGaT Center For Human Genetics Tuebingen Variant Classification Criteria Version 2. Collection method: clinical testing. Allele origin: germline. Affected: yes. Observed: 1 variant allele.
Comment: USB1: BP4, BP7

Ambry Genetics
Classification: Likely benign for Inborn genetic diseases. Last evaluated: 2025-03-19. Review status: criteria provided, single submitter. Criteria: Ambry Variant Classification Scheme 2023. Collection method: clinical testing. Allele origin: germline.

Labcorp Genetics (formerly Invitae), Labcorp
Classification: Likely benign. Last evaluated: 2022-04-30. Review status: criteria provided, single submitter. Criteria: Invitae Variant Classification Sherloc (09022015). Collection method: clinical testing. Allele origin: germline.